The following is an entry in ClinVar:

NM_032387.5(WNK4):c.945C>T (p.Gly315=)

Genes: WNK4 (WNK lysine deficient protein kinase 4; plus strand), LOC126862568 (CDK7 strongly-dependent group 2 enhancer GRCh37_chr17:40934948-40936147; plus strand). Cytogenetic location: 17q21.2.
Variant type: single nucleotide variant.
Coding change: c.945C>T on transcript NM_032387.5 (MANE Select); coding-DNA position 945, C replaced by T.
Protein change: p.Gly315=; no amino-acid change (glycine 315 retained).
Molecular consequence: synonymous variant. On other transcripts: missense variant (1).
Genome position (GRCh38, 1-based): chr17:42,784,090, C>T. VCF-style: chr17-42784090-C-T. GRCh37 (hg19) VCF-style: chr17-40936108-C-T.
Other names: p.Gly315=; c.26C>T, p.Ala9Val (NM_001321299.2); short protein forms A9V.
Identifiers: ClinVar variation 323316 (VCV000323316.16), dbSNP rs61754348, ClinGen allele CA8583835.

ClinVar aggregate classification (germline): Benign/Likely benign. Review status: criteria provided, multiple submitters, no conflicts (2 of 4 stars). 6 submissions from 6 submitters: Benign (3); Likely benign (3). Last evaluated 2026-01-18.

Conditions:
Pseudohypoaldosteronism type 2B (PHA2B). Also called: Pseudohypoaldosteronism Type IIB. Identifiers: Orphanet 757, Orphanet 88939, MedGen C1840390, MONDO:0013777, OMIM 614491.

Allele frequency attached by ClinVar (database versions not stated): gnomAD exomes 0.00038 and 0.00103; ExAC 0.00127; gnomAD 0.00409 and 0.00439; ESP Exome Variant Server 0.00423; TOPMed 0.00428; 1000 Genomes Project 0.00459; 1000 Genomes Project 30x 0.00468.
gnomAD v4.1: 1,233 of 1,612,628 alleles (0.076%); highest among the groups gnomAD compares: African/African-American, 1.4%; 7 homozygotes.

Submissions (6):

Labcorp Genetics (formerly Invitae), Labcorp
Classification: Benign. Last evaluated: 2026-01-18. Review status: criteria provided, single submitter. Criteria: Invitae Variant Classification Sherloc (09022015). Collection method: clinical testing. Allele origin: germline.

Mayo Clinic Laboratories, Mayo Clinic
Classification: Likely benign. Last evaluated: 2025-09-09. Review status: criteria provided, single submitter. Criteria: ACMG Guidelines, 2015. Collection method: clinical testing. Allele origin: germline. Observed: 2 variant alleles.
Comment: BS1, BP4, BP7

Blueprint Genetics
Classification: Likely benign. Last evaluated: 2024-11-01. Review status: criteria provided, single submitter. Criteria: ACMG Guidelines, 2015. Collection method: clinical testing. Allele origin: germline.

Fulgent Genetics
Classification: Likely benign for Pseudohypoaldosteronism type 2B. Last evaluated: 2021-07-28. Review status: criteria provided, single submitter. Criteria: ACMG Guidelines, 2015. Collection method: clinical testing. Allele origin: unknown.

Illumina Laboratory Services, Illumina
Classification: Benign for Pseudohypoaldosteronism type 2B. Last evaluated: 2018-01-13. Review status: criteria provided, single submitter. Criteria: ICSL Variant Classification Criteria 13 December 2019. Collection method: clinical testing. Allele origin: germline.
Comment: This variant was observed in the ICSL laboratory as part of a predisposition screen in an ostensibly healthy population. It had not been previously curated by ICSL or reported in the Human Gene Mutation Database (HGMD: prior to June 1st, 2018), and was therefore a candidate for classification through an automated scoring system. Utilizing variant allele frequency, disease prevalence and penetrance estimates, and inheritance mode, an automated score was calculated to assess if this variant is too frequent to cause the disease. Based on the score and internal cut-off values, a variant classified as benign is not then subjected to further curation. The score for this variant resulted in a classification of benign for this disease.

Breakthrough Genomics
Classification: Benign. Review status: criteria provided, single submitter. Criteria: ACMG Guidelines, 2015. Collection method: not provided. Allele origin: germline. Inheritance: Autosomal dominant inheritance. Affected: yes.